The following is an entry in ClinVar:

ClinVar aggregate classification (germline): Uncertain significance (1 of 4 stars; one submission).

Allele frequency attached by ClinVar (database versions not stated): ExAC 0.00001; gnomAD 0.00001; TOPMed 0.00001.
gnomAD v4.1: 5 of 1,614,060 alleles (0.00031%); highest among the groups gnomAD compares: Admixed American, 0.0033%; no homozygotes.

Submission:

Labcorp Genetics (formerly Invitae), Labcorp
Classification: Uncertain significance. Last evaluated: 2025-08-30. Review status: criteria provided, single submitter. Criteria: Invitae Variant Classification Sherloc (09022015). Collection method: clinical testing. Allele origin: germline.
Comment: This sequence change replaces proline, which is neutral and non-polar, with leucine, which is neutral and non-polar, at codon 222 of the SIAE protein (p.Pro222Leu). This variant is present in population databases (rs746098407, gnomAD 0.009%). This variant has not been reported in the literature in individuals affected with SIAE-related conditions. ClinVar contains an entry for this variant (Variation ID: 1919714). An algorithm developed to predict the effect of missense changes on protein structure and function (PolyPhen-2) suggests that this variant is likely to be tolerated. In summary, the available evidence is currently insufficient to determine the role of this variant in disease. Therefore, it has been classified as a Variant of Uncertain Significance.

NM_170601.5(SIAE):c.665C>T (p.Pro222Leu)

Gene: SIAE (sialic acid acetylesterase; minus strand). Cytogenetic location: 11q24.2.
Variant type: single nucleotide variant.
Coding change: c.665C>T on transcript NM_170601.5 (MANE Select); coding-DNA position 665, C replaced by T.
Protein change: p.Pro222Leu; replaces proline 222 with leucine.
Molecular consequence: missense variant.
Genome position (GRCh38, 1-based): chr11:124,649,676, G>A on the plus strand (C>T on the coding strand, the complement: SIAE is on the minus strand). VCF-style: chr11-124649676-G-A. GRCh37 (hg19) VCF-style: chr11-124519572-G-A.
Other names: c.560C>T, p.Pro187Leu (NM_001199922.2); short protein forms P187L, P222L.
Identifiers: ClinVar variation 1919714 (VCV001919714.5), dbSNP rs746098407, ClinGen allele CA6341448.